The following is an entry in ClinVar:

ClinVar aggregate classification (germline): Likely benign. Review status: criteria provided, multiple submitters, no conflicts (2 of 4 stars). 3 submissions from 3 submitters: Likely benign (3). Last evaluated 2026-05-13.

Conditions:
FLNC-related disorder. Also called: FLNC-related disorders; FLNC-related condition.
Distal myopathy with posterior leg and anterior hand involvement. Also called: WILLIAMS DISTAL MYOPATHY. Identifiers: Orphanet 63273, MedGen C3279722, MONDO:0013550, OMIM 614065.
Hypertrophic cardiomyopathy 26. Also called: Cardiomyopathy, familial hypertrophic, 26. Identifiers: Orphanet 75249, MedGen C4310749, MONDO:0014883, OMIM 617047.
Myofibrillar myopathy 5. Also called: Filaminopathy (type); FILAMINOPATHY, AUTOSOMAL DOMINANT. Identifiers: Orphanet 171445, MedGen C1836050, MONDO:0012289, OMIM 609524.
Cardiovascular phenotype. Identifiers: MedGen CN230736.

Allele frequency attached by ClinVar (database versions not stated): ExAC 0.00001; gnomAD 0.00001; gnomAD exomes 0.00001.
gnomAD v4.1: 6 of 1,611,330 alleles (0.00037%); highest among the groups gnomAD compares: African/African-American, 0.0013%; no homozygotes.

Submissions (3):

Ambry Genetics
Classification: Likely benign for Cardiovascular phenotype. Last evaluated: 2026-05-13. Review status: criteria provided, single submitter. Criteria: Ambry Variant Classification Scheme 2023. Collection method: clinical testing. Allele origin: germline.

Labcorp Genetics (formerly Invitae), Labcorp
Classification: Likely benign for Distal myopathy with posterior leg and anterior hand involvement; Myofibrillar myopathy 5; Hypertrophic cardiomyopathy 26. Last evaluated: 2025-11-28. Review status: criteria provided, single submitter. Criteria: Invitae Variant Classification Sherloc (09022015). Collection method: clinical testing. Allele origin: germline.

PreventionGenetics, part of Exact Sciences
Classification: Likely benign for FLNC-related condition. Last evaluated: 2025-11-04. Review status: criteria provided, single submitter. Criteria: ACMG Guidelines, 2015. Collection method: clinical testing. Allele origin: germline.
Comment: This variant is classified as likely benign based on ACMG/AMP sequence variant interpretation guidelines (Richards et al. 2015 PMID: 25741868, with internal and published modifications).

NM_001458.5(FLNC):c.6924G>A (p.Pro2308=)

Genes: FLNC (filamin C; plus strand), FLNC-AS1 (FLNC antisense RNA 1; minus strand). Cytogenetic location: 7q32.1.
Variant type: single nucleotide variant.
Coding change: c.6924G>A on transcript NM_001458.5 (MANE Select); coding-DNA position 6924, G replaced by A.
Protein change: p.Pro2308=; no amino-acid change (proline 2308 retained).
Molecular consequence: synonymous variant.
Genome position (GRCh38, 1-based): chr7:128,854,609, G>A. VCF-style: chr7-128854609-G-A. GRCh37 (hg19) VCF-style: chr7-128494663-G-A.
Other names: c.6825G>A, p.Pro2275= (NM_001127487.2); c.6924G>A (NM_001458.4).
Identifiers: ClinVar variation 1125260 (VCV001125260.11), dbSNP rs756083833, ClinGen allele CA4476115.